The following is an entry in ClinVar:

NM_001267550.2(TTN):c.2477C>T (p.Thr826Ile)

Gene: TTN (titin; minus strand). Cytogenetic location: 2q31.2.
Variant type: single nucleotide variant.
Coding change: c.2477C>T on transcript NM_001267550.2 (MANE Select); coding-DNA position 2477, C replaced by T.
Protein change: p.Thr826Ile; replaces threonine 826 with isoleucine.
Molecular consequence: missense variant.
Genome position (GRCh38, 1-based): chr2:178,785,636, G>A on the plus strand (C>T on the coding strand, the complement: TTN is on the minus strand). VCF-style: chr2-178785636-G-A. GRCh37 (hg19) VCF-style: chr2-179650363-G-A.
Other names: p.T826I:ACA>ATA; c.2477C>T, p.Thr826Ile (NM_001256850.1, NM_133378.4, NM_133379.5); c.2339C>T, p.Thr780Ile (NM_003319.4, NM_133432.3, NM_133437.4); short protein forms T826I, T780I.
Identifiers: ClinVar variation 202787 (VCV000202787.4), dbSNP rs794729478, ClinGen allele CA310287.
Genomic context (GRCh38, chr2:178,785,636, plus strand): 5'-TATTTCCTTTAAACATTTCTGTATCATGCTCTGTAACTTCTTACCTCATATCCATGTTCT[G>A]TCTTAGGAACAGAAATTTTTGAAACAGTAAAGTGAGGGCTAGCTGTGCGGGGGCGTTTAT-3'
Protein context (NP_001254479.2, residues 816-836): FTVSKISVPK[Thr826Ile]EHGYEASIAG

ClinVar aggregate classification (germline): Uncertain significance. Review status: criteria provided, multiple submitters, no conflicts (2 of 4 stars). 2 submissions from 2 submitters: Uncertain significance (2). Last evaluated 2025-04-25.

Allele frequency attached by ClinVar (database versions not stated): gnomAD exomes below 0.00001; gnomAD 0.00002; TOPMed 0.00002.
gnomAD v4.1: 5 of 1,613,934 alleles (0.00031%); highest among the groups gnomAD compares: African/African-American, 0.0067%; no homozygotes.

Submissions (2):

Women's Health and Genetics/Laboratory Corporation of America, LabCorp
Classification: Uncertain significance. Last evaluated: 2025-04-25. Review status: criteria provided, single submitter. Criteria: LabCorp Variant Classification Summary - May 2015. Collection method: clinical testing. Allele origin: germline.

GeneDx
Classification: Uncertain significance. Last evaluated: 2014-03-25. Review status: criteria provided, single submitter. Criteria: GeneDx Variant Classification (06012015). Collection method: clinical testing. Allele origin: germline. Affected: yes.
Comment: Missense variants in the TTN gene are considered 'unclassified' if they are not previously reported in the literature and do not have >1% frequency in the population to be considered a polymorphism. Research indicates that truncating mutations in the TTN gene are expected to account for approximately 25% of familial and 18% of sporadic idiopathic DCM; however, truncating variants in the TTN gene have been reported in approximately 3% of reported control alleles. There has been little investigation into non-truncating variants. (Herman D et al. Truncations of titin causing dilated cardiomyopathy. N Eng J Med 366:619-628, 2012) The variant is found in CARDIOMYOPATHY panel(s).